The following is an entry in ClinVar:

ClinVar aggregate classification (germline): Uncertain significance. Review status: criteria provided, multiple submitters, no conflicts (2 of 4 stars). 3 submissions from 3 submitters: Uncertain significance (3). Last evaluated 2025-11-17.

Conditions:
Hereditary sensory and autonomic neuropathy type 7. Also called: HSAN VII; Neuropathy, hereditary sensory and autonomic, type VII. Identifiers: Orphanet 391397, MedGen C3809882, MONDO:0014244, OMIM 615548.
Familial episodic pain syndrome with predominantly lower limb involvement. Also called: Episodic pain syndrome, familial, 3. Identifiers: Orphanet 391384, Orphanet 391392, MedGen C3809899, MONDO:0014247, OMIM 615552.
Inborn genetic diseases. Identifiers: MedGen C0950123, MeSH D030342.

Allele frequency attached by ClinVar (database versions not stated): gnomAD exomes below 0.00001; TOPMed below 0.00001.

Submissions (3):

Women's Health and Genetics/Laboratory Corporation of America, LabCorp
Classification: Uncertain significance. Last evaluated: 2025-11-17. Review status: criteria provided, single submitter. Criteria: LabCorp Variant Classification Summary - May 2015. Collection method: clinical testing. Allele origin: germline.
Comment: Variant summary: SCN11A c.2965A>G (p.Ser989Gly) results in a non-conservative amino acid change in the encoded protein sequence. Algorithms developed to predict the effect of missense changes on protein structure and function are either unavailable or do not agree on the potential impact of this missense change. The variant was absent in 251102 control chromosomes. The available data on variant occurrences in the general population are insufficient to allow any conclusion about variant significance. To our knowledge, no occurrence of c.2965A>G in individuals affected with SCN11A-related conditions and no experimental evidence demonstrating its impact on protein function have been reported. ClinVar contains an entry for this variant (Variation ID: 2162924). Based on the evidence outlined above, the variant was classified as uncertain significance.

Labcorp Genetics (formerly Invitae), Labcorp
Classification: Uncertain significance for Familial episodic pain syndrome with predominantly lower limb involvement; Hereditary sensory and autonomic neuropathy type 7. Last evaluated: 2025-09-02. Review status: criteria provided, single submitter. Criteria: Invitae Variant Classification Sherloc (09022015). Collection method: clinical testing. Allele origin: germline.
Comment: This sequence change replaces serine, which is neutral and polar, with glycine, which is neutral and non-polar, at codon 989 of the SCN11A protein (p.Ser989Gly). This variant is not present in population databases (gnomAD no frequency). This variant has not been reported in the literature in individuals affected with SCN11A-related conditions. ClinVar contains an entry for this variant (Variation ID: 2162924). An algorithm developed to predict the effect of missense changes on protein structure and function (PolyPhen-2) suggests that this variant is likely to be disruptive. In summary, the available evidence is currently insufficient to determine the role of this variant in disease. Therefore, it has been classified as a Variant of Uncertain Significance.

Ambry Genetics
Classification: Uncertain significance for Inborn genetic diseases. Last evaluated: 2023-07-31. Review status: criteria provided, single submitter. Criteria: Ambry Variant Classification Scheme 2023. Collection method: clinical testing. Allele origin: germline.

NM_001349253.2(SCN11A):c.2965A>G (p.Ser989Gly)

Gene: SCN11A (sodium voltage-gated channel alpha subunit 11; minus strand). Cytogenetic location: 3p22.2.
Variant type: single nucleotide variant.
Coding change: c.2965A>G on transcript NM_001349253.2 (MANE Select); coding-DNA position 2965, A replaced by G.
Protein change: p.Ser989Gly; replaces serine 989 with glycine.
Molecular consequence: missense variant.
Genome position (GRCh38, 1-based): chr3:38,885,387, T>C on the plus strand (A>G on the coding strand, the complement: SCN11A is on the minus strand). VCF-style: chr3-38885387-T-C. GRCh37 (hg19) VCF-style: chr3-38926878-T-C.
Other names: c.2965A>G, p.Ser989Gly (NM_014139.3); c.2965A>G (NM_014139.2); short protein forms S989G.
Identifiers: ClinVar variation 2162924 (VCV002162924.7), dbSNP rs2065380147, ClinGen allele CA352173857.